The following is an entry in ClinVar:

ClinVar aggregate classification (germline): Uncertain significance (1 of 4 stars; one submission).

Submission:

GeneDx
Classification: Uncertain significance. Last evaluated: 2024-05-10. Review status: criteria provided, single submitter. Criteria: GeneDx Variant Classification Process June 2021. Collection method: clinical testing. Allele origin: germline. Affected: yes.
Comment: Has not been previously published as pathogenic or benign to our knowledge; Not observed at significant frequency in large population cohorts (gnomAD); In silico analysis indicates that this missense variant does not alter protein structure/function

NM_032590.5(KDM2B):c.3046C>A (p.Leu1016Met)

Gene: KDM2B (lysine demethylase 2B; minus strand). Cytogenetic location: 12q24.31.
Variant type: single nucleotide variant.
Coding change: c.3046C>A on transcript NM_032590.5 (MANE Select); coding-DNA position 3046, C replaced by A.
Protein change: p.Leu1016Met; replaces leucine 1016 with methionine.
Molecular consequence: missense variant.
Genome position (GRCh38, 1-based): chr12:121,442,395, G>T on the plus strand (C>A on the coding strand, the complement: KDM2B is on the minus strand). VCF-style: chr12-121442395-G-T. GRCh37 (hg19) VCF-style: chr12-121880198-G-T.
Other names: c.2839C>A, p.Leu947Met (NM_001005366.2); short protein forms L1016M, L947M.
Identifiers: ClinVar variation 3375671 (VCV003375671.1).